The following is an entry in ClinVar:

ClinVar aggregate classification (germline): Uncertain significance (1 of 4 stars; one submission).

Conditions:
Cystic fibrosis (CF). Also called: MUCOVISCIDOSIS. Identifiers: Orphanet 586, MedGen C0010674, MONDO:0009061, OMIM 219700. Disease mechanism: loss of function.

Submission:

Ambry Genetics
Classification: Uncertain significance for Cystic fibrosis. Last evaluated: 2026-08-24. Review status: criteria provided, single submitter. Criteria: Ambry Variant Classification Scheme 2023. Collection method: clinical testing. Allele origin: germline.
Comment: The p.A412G variant (also known as c.1235C>G), located in coding exon 10 of the CFTR gene, results from a C to G substitution at nucleotide position 1235. The alanine at codon 412 is replaced by glycine, an amino acid with similar properties. This amino acid position is conserved. In addition, the in silico prediction for this alteration is inconclusive. Based on the available evidence, the clinical significance of this variant remains unclear.

NM_000492.4(CFTR):c.1235C>G (p.Ala412Gly)

Genes: CFTR (CF transmembrane conductance regulator; plus strand), CFTR-AS1 (CFTR antisense RNA 1; minus strand). Cytogenetic location: 7q31.2.
Variant type: single nucleotide variant.
Coding change: c.1235C>G on transcript NM_000492.4 (MANE Select); coding-DNA position 1235, C replaced by G.
Protein change: p.Ala412Gly; replaces alanine 412 with glycine.
Molecular consequence: missense variant.
Genome position (GRCh38, 1-based): chr7:117,548,666, C>G. VCF-style: chr7-117548666-C-G. GRCh37 (hg19) VCF-style: chr7-117188720-C-G.
Other names: short protein forms A412G.
Identifiers: ClinVar variation 5034479 (VCV005034479.1).